The following is an entry in ClinVar:

ClinVar aggregate classification (germline): Likely benign. Review status: criteria provided, multiple submitters, no conflicts (2 of 4 stars). 2 submissions from 2 submitters: Likely benign (2). Last evaluated 2026-03-01.

Conditions:
Hyperaldosteronism, familial, type IV (HALD4). Also called: FH IV; ALDOSTERONISM, PRIMARY, AND HYPERTENSION. Identifiers: Orphanet 642671, MedGen C4310756, MONDO:0014875, OMIM 617027.
Idiopathic generalized epilepsy. Also called: EIG; Generalised epilepsy. Identifiers: MedGen C0270850, MONDO:0005579, OMIM 600669.

Allele frequency attached by ClinVar (database versions not stated): TOPMed below 0.00001; gnomAD 0.00001 and 0.00002; ExAC 0.00002; gnomAD exomes 0.00002; 1000 Genomes Project 30x 0.00016.
gnomAD v4.1: 29 of 1,571,832 alleles (0.0018%); highest among the groups gnomAD compares: East Asian, 0.024%; no homozygotes.

Submissions (2):

CeGaT Center for Human Genetics Tuebingen
Classification: Likely benign. Last evaluated: 2026-03-01. Review status: criteria provided, single submitter. Criteria: CeGaT Center For Human Genetics Tuebingen Variant Classification Criteria Version 2. Collection method: clinical testing. Allele origin: germline. Affected: yes. Observed: 1 variant allele.
Comment: CACNA1H: BP4, BP7

Labcorp Genetics (formerly Invitae), Labcorp
Classification: Likely benign for Idiopathic generalized epilepsy; Hyperaldosteronism, familial, type IV. Last evaluated: 2025-12-25. Review status: criteria provided, single submitter. Criteria: Invitae Variant Classification Sherloc (09022015). Collection method: clinical testing. Allele origin: germline.

NM_021098.3(CACNA1H):c.6282G>A (p.Ser2094=)

Gene: CACNA1H (calcium voltage-gated channel subunit alpha1 H; plus strand). Cytogenetic location: 16p13.3.
Variant type: single nucleotide variant.
Coding change: c.6282G>A on transcript NM_021098.3 (MANE Select); coding-DNA position 6282, G replaced by A.
Protein change: p.Ser2094=; no amino-acid change (serine 2094 retained).
Molecular consequence: synonymous variant.
Genome position (GRCh38, 1-based): chr16:1,220,214, G>A. VCF-style: chr16-1220214-G-A. GRCh37 (hg19) VCF-style: chr16-1270214-G-A.
Other names: c.6264G>A, p.Ser2088= (NM_001005407.2).
Identifiers: ClinVar variation 757312 (VCV000757312.15), dbSNP rs770576341, ClinGen allele CA7802298.